The following is an entry in ClinVar:

NM_001037.5(SCN1B):c.207+10T>C

Gene: SCN1B (sodium voltage-gated channel beta subunit 1; plus strand). Cytogenetic location: 19q13.11.
Variant type: single nucleotide variant.
Coding change: c.207+10T>C on transcript NM_001037.5 (MANE Select); 10 bases into the intron after coding-DNA position 207, T replaced by C.
Molecular consequence: intron variant.
Genome position (GRCh38, 1-based): chr19:35,032,704, T>C. VCF-style: chr19-35032704-T-C. GRCh37 (hg19) VCF-style: chr19-35523608-T-C.
Other names: c.108+10T>C (NM_001321605.2); c.207+10T>C (NM_199037.5).
Identifiers: ClinVar variation 388864 (VCV000388864.5), dbSNP rs1057523254, ClinGen allele CA16607772.
Genomic context (GRCh38, chr19:35,032,704, plus strand): 5'-ACCTTCACCGAGTGGACCTTCCGCCAGAAGGGCACTGAGGAGTTTGTCAAGGTGTGCGGG[T>C]GCCGGGAACGGGCATGGGAGGGCAGGGGTCCACGAGTGGGAGGCGGTGGGGCTGGATCTC-3'

ClinVar aggregate classification (germline): Likely benign. Review status: criteria provided, multiple submitters, no conflicts (2 of 4 stars). 2 submissions from 2 submitters: Likely benign (2). Last evaluated 2025-01-06.

Conditions:
Brugada syndrome 5 (BRGDA5). Identifiers: Orphanet 130, Orphanet 871, MedGen C2748541, MONDO:0013015, OMIM 612838.

Submissions (2):

Labcorp Genetics (formerly Invitae), Labcorp
Classification: Likely benign for Brugada syndrome 5. Last evaluated: 2025-01-06. Review status: criteria provided, single submitter. Criteria: Invitae Variant Classification Sherloc (09022015). Collection method: clinical testing. Allele origin: germline.

GeneDx
Classification: Likely benign. Last evaluated: 2018-02-01. Review status: criteria provided, single submitter. Criteria: GeneDx Variant Classification (06012015). Collection method: clinical testing. Allele origin: germline. Affected: yes.
Comment: This variant is considered likely benign or benign based on one or more of the following criteria: it is a conservative change, it occurs at a poorly conserved position in the protein, it is predicted to be benign by multiple in silico algorithms, and/or has population frequency not consistent with disease.